The following is an entry in ClinVar:

NM_001939.3(DRP2):c.614C>T (p.Ala205Val)

Gene: DRP2 (dystrophin related protein 2; plus strand). Cytogenetic location: Xq22.1.
Variant type: single nucleotide variant.
Coding change: c.614C>T on transcript NM_001939.3 (MANE Select); coding-DNA position 614, C replaced by T.
Protein change: p.Ala205Val; replaces alanine 205 with valine.
Molecular consequence: missense variant.
Genome position (GRCh38, 1-based): chrX:101,241,722, C>T. VCF-style: chrX-101241722-C-T. GRCh37 (hg19) VCF-style: chrX-100496711-C-T.
Other names: c.380C>T, p.Ala127Val (NM_001171184.2); c.614C>T (NM_001939.2); short protein forms A127V, A205V.
Identifiers: ClinVar variation 2046222 (VCV002046222.5), dbSNP rs755031248, ClinGen allele CA10472112.

ClinVar aggregate classification (germline): Uncertain significance. Review status: criteria provided, multiple submitters, no conflicts (2 of 4 stars). 2 submissions from 2 submitters: Uncertain significance (2). Last evaluated 2025-05-02.

Allele frequency attached by ClinVar (database versions not stated): ExAC 0.00001; TOPMed 0.00004; gnomAD 0.00005.
gnomAD v4.1: 38 of 1,209,818 alleles (0.0031%); highest among the groups gnomAD compares: Middle Eastern, 0.023%; no homozygotes.

Submissions (2):

Labcorp Genetics (formerly Invitae), Labcorp
Classification: Uncertain significance. Last evaluated: 2025-05-02. Review status: criteria provided, single submitter. Criteria: Invitae Variant Classification Sherloc (09022015). Collection method: clinical testing. Allele origin: germline.
Comment: This sequence change replaces alanine, which is neutral and non-polar, with valine, which is neutral and non-polar, at codon 205 of the DRP2 protein (p.Ala205Val). This variant is present in population databases (rs755031248, gnomAD 0.006%). This variant has not been reported in the literature in individuals affected with DRP2-related conditions. ClinVar contains an entry for this variant (Variation ID: 2046222). Invitae Evidence Modeling of protein sequence and biophysical properties (such as structural, functional, and spatial information, amino acid conservation, physicochemical variation, residue mobility, and thermodynamic stability) indicates that this missense variant is not expected to disrupt DRP2 protein function with a negative predictive value of 80%. In summary, the available evidence is currently insufficient to determine the role of this variant in disease. Therefore, it has been classified as a Variant of Uncertain Significance.

Ambry Genetics
Classification: Uncertain significance. Last evaluated: 2023-12-28. Review status: criteria provided, single submitter. Criteria: Ambry Variant Classification Scheme 2023. Collection method: clinical testing. Allele origin: germline.